The following is an entry in ClinVar:

ClinVar aggregate classification (germline): Pathogenic. Review status: criteria provided, single submitter (1 of 4 stars). 2 submissions from 2 submitters: Pathogenic (1). 1 of the submissions does not count toward it. Last evaluated 2023-01-20.

Conditions:
Neurodevelopmental disorder. Identifiers: MedGen C1535926, MeSH D065886, MONDO:0700092.

Submissions (2):

GeneDx
Classification: Pathogenic. Last evaluated: 2023-01-20. Review status: criteria provided, single submitter. Criteria: GeneDx Variant Classification Process June 2021. Collection method: clinical testing. Allele origin: germline. Affected: yes.
Comment: Not observed at significant frequency in large population cohorts (gnomAD); In silico analysis supports that this missense variant has a deleterious effect on protein structure/function; This variant is associated with the following publications: (PMID: 36528028)

Gene Discovery Core-Manton Center, Boston Children's Hospital
Classification: Likely pathogenic for Neurodevelopmental disorder. Review status: no assertion criteria provided. Collection method: clinical testing. Allele origin: de novo. Affected: yes. Observed: 1 variant allele. Not counted in ClinVar's aggregate classification.

NM_001967.4(EIF4A2):c.646A>G (p.Thr216Ala)

Gene: EIF4A2 (eukaryotic translation initiation factor 4A2; plus strand). Cytogenetic location: 3q27.3.
Variant type: single nucleotide variant.
Coding change: c.646A>G on transcript NM_001967.4 (MANE Select); coding-DNA position 646, A replaced by G.
Protein change: p.Thr216Ala; replaces threonine 216 with alanine.
Molecular consequence: missense variant.
Genome position (GRCh38, 1-based): chr3:186,786,520, A>G. VCF-style: chr3-186786520-A-G. GRCh37 (hg19) VCF-style: chr3-186504309-A-G.
Other names: short protein forms T216A.
Identifiers: ClinVar variation 1712519 (VCV001712519.2), dbSNP rs2473970931, ClinGen allele CA355723487.